The following is an entry in ClinVar:

NM_001366110.1(PAX4):c.188G>A (p.Arg63His)

Gene: PAX4 (paired box 4; minus strand). Cytogenetic location: 7q32.1.
Variant type: single nucleotide variant.
Coding change: c.188G>A on transcript NM_001366110.1 (MANE Select); coding-DNA position 188, G replaced by A.
Protein change: p.Arg63His; replaces arginine 63 with histidine.
Molecular consequence: missense variant.
Genome position (GRCh38, 1-based): chr7:127,615,052, C>T on the plus strand (G>A on the coding strand, the complement: PAX4 is on the minus strand). VCF-style: chr7-127615052-C-T. GRCh37 (hg19) VCF-style: chr7-127255106-C-T.
Other names: c.188G>A, p.Arg63His (NM_001366111.1); short protein forms R63H.
Identifiers: ClinVar variation 4753560 (VCV004753560.1).

ClinVar aggregate classification (germline): Uncertain significance (1 of 4 stars; one submission).

gnomAD v4.1: 17 of 1,614,044 alleles (0.0011%); highest among the groups gnomAD compares: Admixed American, 0.005%; no homozygotes.

Submission:

Labcorp Genetics (formerly Invitae), Labcorp
Classification: Uncertain significance. Last evaluated: 2025-05-31. Review status: criteria provided, single submitter. Criteria: Invitae Variant Classification Sherloc (09022015). Collection method: clinical testing. Allele origin: germline.
Comment: This sequence change replaces arginine, which is basic and polar, with histidine, which is basic and polar, at codon 55 of the PAX4 protein (p.Arg55His). This variant is present in population databases (rs747805740, gnomAD 0.004%). This variant has not been reported in the literature in individuals affected with PAX4-related conditions. An algorithm developed to predict the effect of missense changes on protein structure and function (PolyPhen-2) suggests that this variant is likely to be disruptive. In summary, the available evidence is currently insufficient to determine the role of this variant in disease. Therefore, it has been classified as a Variant of Uncertain Significance.